The following is an entry in ClinVar:

ClinVar aggregate classification (germline): Uncertain significance. Review status: criteria provided, multiple submitters, no conflicts (2 of 4 stars). 3 submissions from 3 submitters: Uncertain significance (3). Last evaluated 2024-03-18.

Allele frequency attached by ClinVar (database versions not stated): gnomAD 0.00001; gnomAD exomes 0.00001; ExAC 0.00002; TOPMed 0.00004.
gnomAD v4.1: 12 of 1,613,778 alleles (0.00074%); highest among the groups gnomAD compares: African/African-American, 0.004%; no homozygotes.

Submissions (3):

Women's Health and Genetics/Laboratory Corporation of America, LabCorp
Classification: Uncertain significance. Last evaluated: 2024-03-18. Review status: criteria provided, single submitter. Criteria: LabCorp Variant Classification Summary - May 2015. Collection method: clinical testing. Allele origin: germline.
Comment: Variant summary: WHRN c.1292G>A (p.Arg431Gln) results in a conservative amino acid change in the encoded protein sequence. Three of five in-silico tools predict a benign effect of the variant on protein function. The variant allele was found at a frequency of 8e-06 in 250818 control chromosomes. The available data on variant occurrences in the general population are insufficient to allow any conclusion about variant significance. c.1292G>A has been reported in the literature in individuals affected with Usher Syndrome (Yang_2013). These report(s) do not provide unequivocal conclusions about association of the variant with Usher Syndrome. To our knowledge, no experimental evidence demonstrating an impact on protein function has been reported. The following publication have been ascertained in the context of this evaluation (PMID: 23767834). ClinVar contains an entry for this variant (Variation ID: 1368121). Based on the evidence outlined above, the variant was classified as uncertain significance.

Blueprint Genetics
Classification: Uncertain significance. Last evaluated: 2022-04-05. Review status: criteria provided, single submitter. Criteria: ACMG Guidelines, 2015. Collection method: clinical testing. Allele origin: germline.

Labcorp Genetics (formerly Invitae), Labcorp
Classification: Uncertain significance. Last evaluated: 2022-01-13. Review status: criteria provided, single submitter. Criteria: Invitae Variant Classification Sherloc (09022015). Collection method: clinical testing. Allele origin: germline.
Comment: In summary, the available evidence is currently insufficient to determine the role of this variant in disease. Therefore, it has been classified as a Variant of Uncertain Significance. Algorithms developed to predict the effect of missense changes on protein structure and function (SIFT, PolyPhen-2, Align-GVGD) all suggest that this variant is likely to be disruptive. This missense change has been observed in individual(s) with autosomal recessive nonsyndromic deafness (PMID: 23767834). This variant is present in population databases (rs770481636, gnomAD 0.003%). This sequence change replaces arginine, which is basic and polar, with glutamine, which is neutral and polar, at codon 431 of the WHRN protein (p.Arg431Gln).

Literature cited by the submitters: PubMed 23767834 (cited by Women's Health and Genetics/Laboratory Corporation of America, LabCorp and Labcorp Genetics (formerly Invitae), Labcorp).

NM_015404.4(WHRN):c.1292G>A (p.Arg431Gln)

Gene: WHRN (whirlin; minus strand). Cytogenetic location: 9q32.
Variant type: single nucleotide variant.
Coding change: c.1292G>A on transcript NM_015404.4 (MANE Select); coding-DNA position 1292, G replaced by A.
Protein change: p.Arg431Gln; replaces arginine 431 with glutamine.
Molecular consequence: missense variant.
Genome position (GRCh38, 1-based): chr9:114,424,458, C>T on the plus strand (G>A on the coding strand, the complement: WHRN is on the minus strand). VCF-style: chr9-114424458-C-T. GRCh37 (hg19) VCF-style: chr9-117186738-C-T.
Other names: c.143G>A, p.Arg48Gln (NM_001083885.3); c.1292G>A, p.Arg431Gln (NM_001173425.2); c.239G>A, p.Arg80Gln (NM_001346890.1); short protein forms R48Q, R80Q, R431Q.
Identifiers: ClinVar variation 1368121 (VCV001368121.9), dbSNP rs770481636, ClinGen allele CA5205995.